The following is an entry in ClinVar:

ClinVar aggregate classification (germline): Conflicting classifications of pathogenicity. Review status: criteria provided, conflicting classifications (1 of 4 stars). 4 submissions from 4 submitters: Uncertain significance (1); Likely benign (3). Last evaluated 2026-07-01.

Conditions:
Hypertrophic cardiomyopathy 3. Also called: TPM1-Related Familial Hypertrophic Cardiomyopathy. Identifiers: MedGen C1861863, MONDO:0007267, OMIM 115196.
Dilated cardiomyopathy 1Y (CMD1Y). Identifiers: Orphanet 154, Orphanet 54260, MedGen C2678476, MONDO:0012744, OMIM 611878.

Allele frequency attached by ClinVar (database versions not stated): TOPMed 0.00099; ExAC 0.00113; ESP Exome Variant Server 0.00175; 1000 Genomes Project 0.00020; 1000 Genomes Project 30x 0.00062; gnomAD 0.00080; gnomAD exomes 0.00091.
gnomAD v4.1: 1,445 of 1,613,162 alleles (0.09%); highest among the groups gnomAD compares: Non-Finnish European, 0.11%; 2 homozygotes.

Submissions (4):

CeGaT Center for Human Genetics Tuebingen
Classification: Likely benign. Last evaluated: 2026-07-01. Review status: criteria provided, single submitter. Criteria: CeGaT Center For Human Genetics Tuebingen Variant Classification Criteria Version 2. Collection method: clinical testing. Allele origin: germline. Affected: yes. Observed: 5 variant alleles.
Comment: TPM1: BS1

Molecular Diagnostic Laboratory for Inherited Cardiovascular Disease, Montreal Heart Institute
Classification: Likely benign. Last evaluated: 2025-04-09. Review status: criteria provided, single submitter. Criteria: ACMG Guidelines, 2015. Collection method: clinical testing. Allele origin: germline. Affected: no.
Comment: BS1

Blueprint Genetics
Classification: Likely benign. Last evaluated: 2023-03-10. Review status: criteria provided, single submitter. Criteria: ACMG Guidelines, 2015. Collection method: clinical testing. Allele origin: germline.

Center for Genomics, Ann and Robert H. Lurie Children's Hospital of Chicago
Classification: Uncertain significance for Dilated cardiomyopathy 1Y; Hypertrophic cardiomyopathy 3. Review status: criteria provided, single submitter. Criteria: ACMG Guidelines, 2015. Collection method: clinical testing. Allele origin: germline.
Comment: TPM1 NM_001018005.1 exon 8 c.772+63A>G: This variant has not been reported in the literature but is present in 0.1% (184/125070) of European alleles in the Genome Aggregation Database. Evolutionary conservation and computational predictive tools for this variant are limited or unavailable. In summary, data on this variant is insufficient for disease classification. Therefore, the clinical significance of this variant is uncertain

NM_001018005.2(TPM1):c.772+63A>G

Gene: TPM1 (tropomyosin 1; plus strand). Cytogenetic location: 15q22.2.
Variant type: single nucleotide variant.
Coding change: c.772+63A>G on transcript NM_001018005.2 (MANE Select); 63 bases into the intron after coding-DNA position 772, A replaced by G.
Molecular consequence: intron variant. On other transcripts: missense variant (3), non-coding transcript variant (1).
Genome position (GRCh38, 1-based): chr15:63,062,708, A>G. VCF-style: chr15-63062708-A-G. GRCh37 (hg19) VCF-style: chr15-63354907-A-G.
Other names: c.835A>G, p.Ile279Val (NM_001407325.1); c.727A>G, p.Ile243Val (NM_001407340.1, NM_001407341.1); c.898+63A>G (NM_001365778.1, NM_001407323.1, NM_001407322.1 and 1 more transcripts); c.772+63A>G (NM_001407336.1, NM_001018020.2, NM_001407338.1 and 20 more transcripts); c.664+63A>G (NM_001330351.2, NM_001330344.2, NM_001018008.2 and 7 more transcripts); short protein forms I243V, I279V.
Identifiers: ClinVar variation 2500103 (VCV002500103.25), dbSNP rs372214593, ClinGen allele CA033338.